The following is an entry in ClinVar:

NM_006494.4(ERF):c.226A>G (p.Met76Val)

Gene: ERF (ETS2 repressor factor; minus strand). Cytogenetic location: 19q13.2.
Variant type: single nucleotide variant.
Coding change: c.226A>G on transcript NM_006494.4 (MANE Select); coding-DNA position 226, A replaced by G.
Protein change: p.Met76Val; replaces methionine 76 with valine.
Molecular consequence: missense variant. On other transcripts: initiator codon variant (3).
Genome position (GRCh38, 1-based): chr19:42,250,362, T>C on the plus strand (A>G on the coding strand, the complement: ERF is on the minus strand). VCF-style: chr19-42250362-T-C. GRCh37 (hg19) VCF-style: chr19-42754514-T-C.
Other names: c.1A>G, p.Met1Val (NM_001301035.2, NM_001308402.2, NM_001312656.2); short protein forms M1V, M76V.
Identifiers: ClinVar variation 1707521 (VCV001707521.2), dbSNP rs2513525499, ClinGen allele CA406114931.

ClinVar aggregate classification (germline): Uncertain significance (1 of 4 stars; one submission).

Conditions:
Lambdoidal craniosynostosis. Identifiers: MedGen C1833340, HP:0004443.

Submission:

Institute of Human Genetics, University of Leipzig Medical Center
Classification: Uncertain significance for Craniosynostosis 4. Last evaluated: 2022-08-29. Review status: criteria provided, single submitter. Criteria: ACMG Guidelines, 2015. Collection method: clinical testing. Allele origin: maternal. Affected: yes.
Comment: _x000D_ Criteria applied: PM1, PM2_SUP, PP3